The following is an entry in ClinVar:

NM_000474.4(TWIST1):c.530A>C (p.Tyr177Ser)

Genes: TWIST1 (twist family bHLH transcription factor 1; minus strand), LOC129998021 (ATAC-STARR-seq lymphoblastoid active region 25682; plus strand). Cytogenetic location: 7p21.1.
Variant type: single nucleotide variant.
Coding change: c.530A>C on transcript NM_000474.4 (MANE Select); coding-DNA position 530, A replaced by C.
Protein change: p.Tyr177Ser; replaces tyrosine 177 with serine.
Molecular consequence: missense variant. On other transcripts: non-coding transcript variant (1).
Genome position (GRCh38, 1-based): chr7:19,116,792, T>G on the plus strand (A>C on the coding strand, the complement: TWIST1 is on the minus strand). VCF-style: chr7-19116792-T-G. GRCh37 (hg19) VCF-style: chr7-19156415-T-G.
Other names: short protein forms Y177S.
Identifiers: ClinVar variation 1327668 (VCV001327668.2), dbSNP rs1310135591, ClinGen allele CA367015231.

ClinVar aggregate classification (germline): Uncertain significance (1 of 4 stars; one submission).

gnomAD v4.1: 1 of 1,614,048 alleles (0.000062%); highest among the groups gnomAD compares: Non-Finnish European, 0.000085%; no homozygotes.

Submission:

GeneDx
Classification: Uncertain significance. Last evaluated: 2021-04-16. Review status: criteria provided, single submitter. Criteria: GeneDx Variant Classification Process June 2021. Collection method: clinical testing. Allele origin: germline. Affected: yes.
Comment: Not observed in large population cohorts (Lek et al., 2016); In silico analysis supports that this missense variant has a deleterious effect on protein structure/function; Has not been previously published as pathogenic or benign to our knowledge